The following is an entry in ClinVar:

NM_002335.4(LRP5):c.3614A>C (p.Glu1205Ala)

Gene: LRP5 (LDL receptor related protein 5; plus strand). Cytogenetic location: 11q13.2.
Variant type: single nucleotide variant.
Coding change: c.3614A>C on transcript NM_002335.4 (MANE Select); coding-DNA position 3614, A replaced by C.
Protein change: p.Glu1205Ala; replaces glutamic acid 1205 with alanine.
Molecular consequence: missense variant.
Genome position (GRCh38, 1-based): chr11:68,426,164, A>C. VCF-style: chr11-68426164-A-C. GRCh37 (hg19) VCF-style: chr11-68193632-A-C.
Other names: c.3614A>C (NM_002335.2); c.1871A>C, p.Glu624Ala (NM_001291902.2); short protein forms E1205A, E624A.
Identifiers: ClinVar variation 935050 (VCV000935050.10), dbSNP rs1260043027, ClinGen allele CA381622052.
Genomic context (GRCh38, chr11:68,426,164, plus strand): 5'-GGGACAAGCGGACTCGCATCCAGGGCCGTGTCGCCCACCTCACTGGCATCCATGCAGTGG[A>C]GGAAGTCAGCCTGGAGGAGTTCTGTACGTGGGGGCTGGCAGTGGGGTGGGCAGGGTGGCC-3'
Protein context (NP_002326.2, residues 1195-1215): VAHLTGIHAV[Glu1205Ala]EVSLEEFSAH

ClinVar aggregate classification (germline): Uncertain significance. Review status: criteria provided, multiple submitters, no conflicts (2 of 4 stars). 3 submissions from 3 submitters: Uncertain significance (3). Last evaluated 2025-01-09.

Conditions:
Inborn genetic diseases. Identifiers: MedGen C0950123, MeSH D030342.
Exudative vitreoretinopathy 4 (EVR4). Identifiers: Orphanet 891, MedGen C1866176, MONDO:0011151, OMIM 601813.
Exudative vitreoretinopathy 1 (EVR1). Also called: CRISWICK-SCHEPENS SYNDROME; FEVR, AUTOSOMAL DOMINANT; Familial exudative vitreoretinopathy, autosomal dominant. Identifiers: Orphanet 891, Orphanet 90050, MedGen C1851402, MONDO:0007589, OMIM 133780.
Osteoporosis. Identifiers: MedGen C0029456, MONDO:0005298, OMIM 166710, HP:0000939.
Osteoporosis with pseudoglioma (OPPG). Also called: osteoporosis-pseudoglioma syndrome. Identifiers: Orphanet 2788, MedGen C0432252, MONDO:0009820, OMIM 259770.
Autosomal dominant osteopetrosis 1 (OPTA1). Also called: OSTEOPETROSIS, AUTOSOMAL DOMINANT, TYPE I. Identifiers: Orphanet 2783, MedGen C1843330, MONDO:0011877, OMIM 607634.
Bone mineral density quantitative trait locus 1 (BMND1). Identifiers: MedGen C1866079, OMIM 601884.
Worth disease. Also called: Autosomal dominant osteosclerosis, Worth type; ENDOSTEAL HYPEROSTOSIS, AUTOSOMAL DOMINANT; OSTEOSCLEROSIS, AUTOSOMAL DOMINANT. Identifiers: Orphanet 2790, MedGen C0432273, MONDO:0007764, OMIM 144750.
Polycystic liver disease 4 with or without kidney cysts. Identifiers: MedGen C4693479, MONDO:0044327, OMIM 617875.

Allele frequency attached by ClinVar (database versions not stated): gnomAD 0.00001; gnomAD exomes 0.00001.

Submissions (3):

Ambry Genetics
Classification: Uncertain significance for Inborn genetic diseases. Last evaluated: 2025-01-09. Review status: criteria provided, single submitter. Criteria: Ambry Variant Classification Scheme 2023. Collection method: clinical testing. Allele origin: germline.

Labcorp Genetics (formerly Invitae), Labcorp
Classification: Uncertain significance. Last evaluated: 2024-01-30. Review status: criteria provided, single submitter. Criteria: Invitae Variant Classification Sherloc (09022015). Collection method: clinical testing. Allele origin: germline.
Comment: This sequence change replaces glutamic acid, which is acidic and polar, with alanine, which is neutral and non-polar, at codon 1205 of the LRP5 protein (p.Glu1205Ala). This variant is present in population databases (no rsID available, gnomAD 0.009%). This variant has not been reported in the literature in individuals affected with LRP5-related conditions. ClinVar contains an entry for this variant (Variation ID: 935050). Advanced modeling of protein sequence and biophysical properties (such as structural, functional, and spatial information, amino acid conservation, physicochemical variation, residue mobility, and thermodynamic stability) performed at Invitae indicates that this missense variant is not expected to disrupt LRP5 protein function with a negative predictive value of 95%. In summary, the available evidence is currently insufficient to determine the role of this variant in disease. Therefore, it has been classified as a Variant of Uncertain Significance.

Fulgent Genetics
Classification: Uncertain significance for Exudative vitreoretinopathy 1; Worth disease; Osteoporosis; Osteoporosis with pseudoglioma; Exudative vitreoretinopathy 4; Bone mineral density quantitative trait locus 1; Autosomal dominant osteopetrosis 1; Polycystic liver disease 4 with or without kidney cysts. Last evaluated: 2021-08-19. Review status: criteria provided, single submitter. Criteria: ACMG Guidelines, 2015. Collection method: clinical testing. Allele origin: unknown.